The following is an entry in ClinVar:

NM_000051.4(ATM):c.1981G>C (p.Asp661His)

Gene: ATM (ATM serine/threonine kinase; plus strand). Cytogenetic location: 11q22.3.
Variant type: single nucleotide variant.
Coding change: c.1981G>C on transcript NM_000051.4 (MANE Select); coding-DNA position 1981, G replaced by C.
Protein change: p.Asp661His; replaces aspartic acid 661 with histidine.
Molecular consequence: missense variant.
Genome position (GRCh38, 1-based): chr11:108,253,896, G>C. VCF-style: chr11-108253896-G-C. GRCh37 (hg19) VCF-style: chr11-108124623-G-C.
Other names: c.1981G>C, p.Asp661His (NM_001351834.2); short protein forms D661H.
Identifiers: ClinVar variation 1001572 (VCV001001572.12), dbSNP rs1029931261, ClinGen allele CA382536884.

ClinVar aggregate classification (germline): Uncertain significance. Review status: criteria provided, multiple submitters, no conflicts (2 of 4 stars). 2 submissions from 2 submitters: Uncertain significance (2). Last evaluated 2024-05-18.

Conditions:
Hereditary cancer-predisposing syndrome. Also called: Hereditary neoplastic syndrome; Neoplastic Syndromes, Hereditary; Tumor predisposition; Hereditary Cancer Syndrome. Identifiers: Orphanet 140162, MedGen C0027672, MeSH D009386, MONDO:0015356.
Ataxia-telangiectasia syndrome (AT). Also called: Ataxia-telangiectasia, complementation group D; AT, COMPLEMENTATION GROUP C; ATAXIA-TELANGIECTASIA, COMPLEMENTATION GROUP A; ATAXIA-TELANGIECTASIA, FRESNO VARIANT; Ataxia-telangiectasia; Cerebello-oculocutaneous telangiectasia. Identifiers: Orphanet 100, MedGen C0004135, MONDO:0008840, OMIM 208900.

Submissions (2):

Ambry Genetics
Classification: Uncertain significance for Hereditary cancer-predisposing syndrome. Last evaluated: 2024-05-18. Review status: criteria provided, single submitter. Criteria: Ambry Variant Classification Scheme 2023. Collection method: clinical testing. Allele origin: germline.
Comment: The p.D661H variant (also known as c.1981G>C), located in coding exon 12 of the ATM gene, results from a G to C substitution at nucleotide position 1981. The aspartic acid at codon 661 is replaced by histidine, an amino acid with similar properties. This amino acid position is highly conserved in available vertebrate species. In addition, this alteration is predicted to be tolerated by in silico analysis. Since supporting evidence is limited at this time, the clinical significance of this alteration remains unclear.

Labcorp Genetics (formerly Invitae), Labcorp
Classification: Uncertain significance for Ataxia-telangiectasia syndrome. Last evaluated: 2021-08-23. Review status: criteria provided, single submitter. Criteria: Invitae Variant Classification Sherloc (09022015). Collection method: clinical testing. Allele origin: germline.
Comment: This sequence change replaces aspartic acid with histidine at codon 661 of the ATM protein (p.Asp661His). The aspartic acid residue is moderately conserved and there is a moderate physicochemical difference between aspartic acid and histidine. This variant is not present in population databases (ExAC no frequency). This variant has not been reported in the literature in individuals with ATM-related conditions. Algorithms developed to predict the effect of missense changes on protein structure and function (SIFT, PolyPhen-2, Align-GVGD) all suggest that this variant is likely to be tolerated, but these predictions have not been confirmed by published functional studies and their clinical significance is uncertain. In summary, the available evidence is currently insufficient to determine the role of this variant in disease. Therefore, it has been classified as a Variant of Uncertain Significance.